The following is an entry in ClinVar:

NM_012431.3(SEMA3E):c.2075A>G (p.His692Arg)

Gene: SEMA3E (semaphorin 3E; minus strand). Cytogenetic location: 7q21.11.
Variant type: single nucleotide variant.
Coding change: c.2075A>G on transcript NM_012431.3 (MANE Select); coding-DNA position 2075, A replaced by G.
Protein change: p.His692Arg; replaces histidine 692 with arginine.
Molecular consequence: missense variant.
Genome position (GRCh38, 1-based): chr7:83,367,839, T>C on the plus strand (A>G on the coding strand, the complement: SEMA3E is on the minus strand). VCF-style: chr7-83367839-T-C. GRCh37 (hg19) VCF-style: chr7-82997155-T-C.
Other names: c.1895A>G, p.His632Arg (NM_001178129.2); short protein forms H632R, H692R.
Identifiers: ClinVar variation 2765873 (VCV002765873.3), dbSNP rs1794694943, ClinGen allele CA367913801.

ClinVar aggregate classification (germline): Uncertain significance (1 of 4 stars; one submission).

Conditions:
CHARGE syndrome (CHARGE). Also called: Hittner Hirsch Kreh syndrome; CHARGE ASSOCIATION--COLOBOMA, HEART ANOMALY, CHOANAL ATRESIA, RETARDATION, GENITAL AND EAR ANOMALIES; Coloboma, heart anomaly, choanal atresia, retardation, genital and ear anomalies; CHARGE association; Hall-Hittner syndrome. Identifiers: Orphanet 138, MedGen C0265354, MONDO:0008965.

Allele frequency attached by ClinVar (database versions not stated): TOPMed below 0.00001.

Submission:

Labcorp Genetics (formerly Invitae), Labcorp
Classification: Uncertain significance for CHARGE syndrome. Last evaluated: 2023-10-05. Review status: criteria provided, single submitter. Criteria: Invitae Variant Classification Sherloc (09022015). Collection method: clinical testing. Allele origin: germline.
Comment: This sequence change replaces histidine, which is basic and polar, with arginine, which is basic and polar, at codon 692 of the SEMA3E protein (p.His692Arg). This variant is not present in population databases (gnomAD no frequency). This variant has not been reported in the literature in individuals affected with SEMA3E-related conditions. Algorithms developed to predict the effect of missense changes on protein structure and function output the following: SIFT: "Not Available"; PolyPhen-2: "Benign"; Align-GVGD: "Not Available". The arginine amino acid residue is found in multiple mammalian species, which suggests that this missense change does not adversely affect protein function. In summary, the available evidence is currently insufficient to determine the role of this variant in disease. Therefore, it has been classified as a Variant of Uncertain Significance.